The following is an entry in ClinVar:

NM_001142800.2(EYS):c.4736A>T (p.Gln1579Leu)

Gene: EYS (EGF-like photoreceptor maintenance factor; minus strand). Cytogenetic location: 6q12.
Variant type: single nucleotide variant.
Coding change: c.4736A>T on transcript NM_001142800.2 (MANE Select); coding-DNA position 4736, A replaced by T.
Protein change: p.Gln1579Leu; replaces glutamine 1579 with leucine.
Molecular consequence: missense variant.
Genome position (GRCh38, 1-based): chr6:64,591,131, T>A on the plus strand (A>T on the coding strand, the complement: EYS is on the minus strand). VCF-style: chr6-64591131-T-A. GRCh37 (hg19) VCF-style: chr6-65301024-T-A.
Other names: c.4736A>T, p.Gln1579Leu (NM_001292009.2); short protein forms Q1579L.
Identifiers: ClinVar variation 1008725 (VCV001008725.8), dbSNP rs940478851, ClinGen allele CA364782653.

ClinVar aggregate classification (germline): Uncertain significance (1 of 4 stars; one submission).

Submission:

Labcorp Genetics (formerly Invitae), Labcorp
Classification: Uncertain significance. Last evaluated: 2022-06-13. Review status: criteria provided, single submitter. Criteria: Invitae Variant Classification Sherloc (09022015). Collection method: clinical testing. Allele origin: germline.
Comment: In summary, the available evidence is currently insufficient to determine the role of this variant in disease. Therefore, it has been classified as a Variant of Uncertain Significance. Algorithms developed to predict the effect of missense changes on protein structure and function output the following: SIFT: "Tolerated"; PolyPhen-2: "Possibly Damaging"; Align-GVGD: "Class C15". The leucine amino acid residue is found in multiple mammalian species, which suggests that this missense change does not adversely affect protein function. ClinVar contains an entry for this variant (Variation ID: 1008725). This variant has not been reported in the literature in individuals affected with EYS-related conditions. This variant is present in population databases (no rsID available, gnomAD 0.01%). This sequence change replaces glutamine, which is neutral and polar, with leucine, which is neutral and non-polar, at codon 1579 of the EYS protein (p.Gln1579Leu).